The following is an entry in ClinVar:

ClinVar aggregate classification (germline): Uncertain significance. Review status: criteria provided, multiple submitters, no conflicts (2 of 4 stars). 2 submissions from 2 submitters: Uncertain significance (2). Last evaluated 2022-10-17.

Conditions:
Pancreatic adenocarcinoma. Identifiers: MedGen C0281361, MONDO:0006047, HP:0006725.

Allele frequency attached by ClinVar (database versions not stated): gnomAD exomes below 0.00001; ExAC 0.00001; gnomAD 0.00001; TOPMed 0.00001.
gnomAD v4.1: 9 of 1,613,740 alleles (0.00056%); highest among the groups gnomAD compares: African/African-American, 0.0027%; no homozygotes.

Submissions (2):

Ambry Genetics
Classification: Uncertain significance. Last evaluated: 2022-10-17. Review status: criteria provided, single submitter. Criteria: Ambry Variant Classification Scheme 2023. Collection method: clinical testing. Allele origin: germline.
Comment: The p.P1009T variant (also known as c.3025C>A), located in coding exon 17 of the PALLD gene, results from a C to A substitution at nucleotide position 3025. The proline at codon 1009 is replaced by threonine, an amino acid with highly similar properties. This amino acid position is conserved. In addition, this alteration is predicted to be tolerated by in silico analysis. Since supporting evidence is limited at this time, the clinical significance of this alteration remains unclear.

Labcorp Genetics (formerly Invitae), Labcorp
Classification: Uncertain significance for Pancreatic adenocarcinoma. Last evaluated: 2022-06-08. Review status: criteria provided, single submitter. Criteria: Invitae Variant Classification Sherloc (09022015). Collection method: clinical testing. Allele origin: germline.
Comment: In summary, the available evidence is currently insufficient to determine the role of this variant in disease. Therefore, it has been classified as a Variant of Uncertain Significance. Algorithms developed to predict the effect of missense changes on protein structure and function (SIFT, PolyPhen-2, Align-GVGD) all suggest that this variant is likely to be tolerated. ClinVar contains an entry for this variant (Variation ID: 957658). This variant has not been reported in the literature in individuals affected with PALLD-related conditions. This variant is present in population databases (rs762353255, gnomAD 0.003%). This sequence change replaces proline, which is neutral and non-polar, with threonine, which is neutral and polar, at codon 522 of the PALLD protein (p.Pro522Thr).

NM_001166108.2(PALLD):c.3076C>A (p.Pro1026Thr)

Genes: CBR4 (carbonyl reductase 4; minus strand), PALLD (palladin, cytoskeletal associated protein; plus strand). Cytogenetic location: 4q32.3.
Variant type: single nucleotide variant.
Coding change: c.3076C>A on transcript NM_001166108.2 (MANE Select); coding-DNA position 3076, C replaced by A.
Protein change: p.Pro1026Thr; replaces proline 1026 with threonine.
Molecular consequence: missense variant.
Genome position (GRCh38, 1-based): chr4:168,924,272, C>A. VCF-style: chr4-168924272-C-A. GRCh37 (hg19) VCF-style: chr4-169845423-C-A.
Other names: c.1879C>A, p.Pro627Thr (NM_001166109.2); c.1564C>A, p.Pro522Thr (NM_001166110.2); c.904C>A, p.Pro302Thr (NM_001367567.1, NM_001367569.1); c.955C>A, p.Pro319Thr (NM_001367568.1, NM_001367570.1); c.3025C>A, p.Pro1009Thr (NM_016081.4); short protein forms P302T, P522T, P1009T, P1026T, P319T, P627T.
Identifiers: ClinVar variation 957658 (VCV000957658.12), dbSNP rs762353255, ClinGen allele CA3136038.